The following is an entry in ClinVar:

ClinVar aggregate classification (germline): Uncertain significance (1 of 4 stars; one submission).

Submission:

Labcorp Genetics (formerly Invitae), Labcorp
Classification: Uncertain significance. Last evaluated: 2022-09-12. Review status: criteria provided, single submitter. Criteria: Invitae Variant Classification Sherloc (09022015). Collection method: clinical testing. Allele origin: germline.
Comment: This sequence change creates a premature translational stop signal (p.Gly172Alafs*3) in the KCTD1 gene. It is expected to result in an absent or disrupted protein product. However, the current clinical and genetic evidence is not sufficient to establish whether loss-of-function variants in KCTD1 cause disease. This variant is not present in population databases (gnomAD no frequency). This variant has not been reported in the literature in individuals affected with KCTD1-related conditions. ClinVar contains an entry for this variant (Variation ID: 1511465). In summary, the available evidence is currently insufficient to determine the role of this variant in disease. Therefore, it has been classified as a Variant of Uncertain Significance.

NM_001142730.3(KCTD1):c.2339del (p.Gly780fs)

Gene: KCTD1 (potassium channel tetramerization domain containing 1; minus strand). Cytogenetic location: 18q11.2.
Variant type: Deletion.
Coding change: c.2339del on transcript NM_001142730.3 (MANE Select); coding-DNA position 2339, one base deleted (G; older notation c.2339delG).
Protein change: p.Gly780fs; shifts the reading frame from glycine 780.
Molecular consequence: frameshift variant.
Genome position (GRCh38, 1-based): chr18:26,459,720, C deleted on the plus strand (G on the coding strand, the reverse complement: KCTD1 is on the minus strand); the first of 2 consecutive C bases (chr18:26,459,720-26,459,721); deleting either gives the same sequence. VCF-style (leftmost placement, unchanged base first): chr18-26459719-GC-G. GRCh37 (hg19) VCF-style: chr18-24039683-GC-G.
Other names: c.515del, p.Gly172fs (NM_001136205.2, NM_001258221.2, NM_001351443.1 and 1 more transcripts); c.539del, p.Gly180fs (NM_001258222.3); short protein forms G780fs, G172fs, G180fs.
Identifiers: ClinVar variation 1511465 (VCV001511465.6), dbSNP rs2144534365, ClinGen allele CA2573155152.
Genomic context (GRCh38, chr18:26,459,719, plus strand): 5'-CCTGATGACGTGCGTCGAGTCGTGATTCCAGCCTGCATTGACAGAGTTACACATCACGTC[GC>G]CGATCTCTGGAAATACTTCTTCTATCAAGGATTTGTCACCGCTTAGCGTGATCCTTTCTC-3'